The following is an entry in ClinVar:

NM_033380.3(COL4A5):c.4772del (p.His1591fs)

Gene: COL4A5 (collagen type IV alpha 5 chain; plus strand). Cytogenetic location: Xq22.3.
Variant type: Deletion.
Coding change: c.4772del on transcript NM_033380.3 (MANE Select); coding-DNA position 4772, one base deleted (A; older notation c.4772delA).
Protein change: p.His1591fs; shifts the reading frame from histidine 1591.
Molecular consequence: frameshift variant.
Genome position (GRCh38, 1-based): chrX:108,694,872, A deleted. VCF-style (leftmost placement, unchanged base first): chrX-108694871-CA-C. GRCh37 (hg19) VCF-style: chrX-107938101-CA-C.
Other names: c.4754del, p.His1585fs (NM_000495.5); short protein forms H1585fs, H1591fs.
Identifiers: ClinVar variation 3254631 (VCV003254631.1), dbSNP rs2524652281.
Genomic context (GRCh38, chrX:108,694,871, plus strand): 5'-GCAGTATGTGAAGCTCCAGCTGTGGTGATCGCAGTTCACAGTCAGACGATCCAGATTCCC[CA>C]TTGTCCTCAGGGATGGGATTCTCTGTGGATTGGTTATTCCTTCATGATGGTATTTTACAC-3'

ClinVar aggregate classification (germline): Pathogenic (1 of 4 stars; one submission).

Conditions:
X-linked Alport syndrome (ATS1). Also called: COL4A5-Related Nephropathy; NEPHROPATHY AND DEAFNESS, X-LINKED. Identifiers: Orphanet 63, Orphanet 88917, MedGen C4746986, MONDO:0010520, OMIM 301050.

Submission:

Victorian Clinical Genetics Services, Murdoch Childrens Research Institute
Classification: Pathogenic for X-linked Alport syndrome. Last evaluated: 2023-07-17. Review status: criteria provided, single submitter. Criteria: ACMG Guidelines, 2015. Collection method: clinical testing. Allele origin: germline. Inheritance: X-linked dominant inheritance. Affected: yes.
Comment: Based on the classification scheme VCGS_Germline_v1.3.4, this variant is classified as Pathogenic. Following criteria are met: 0103 - Dominant negative and loss of function are known mechanisms of disease in this gene and are associated with X-linked Alport syndrome 1 (MIM#301050). Dominant negative is caused mostly by glycine substitutions that affect the conformation of the protein, and loss of function can be caused by either protein truncating or missense variants (PMID: 24046192, 12028435). (I) 0110 - This gene is associated with X-linked dominant disease. Males are typically more severely affected than females (PMID: 19965530). (I) 0115 - Variants in this gene are known to have variable expressivity. There is intrafamilial variability among affected carrier females, possibly due to variable X-inactivation (PMID: 14514738). (I) 0201 - Variant is predicted to cause nonsense-mediated decay (NMD) and loss of protein (premature termination codon is located at least 54 nucleotides upstream of the final exon-exon junction). (SP) 0251 - This variant is heterozygous. (I) 0301 - Variant is absent from gnomAD (both v2 and v3). (SP) 0701 - Other NMD predicted variants comparable to the one identified in this case have very strong previous evidence for pathogenicity (DECIPHER). (SP) 0807 - This variant has no previous evidence of pathogenicity. (I) 0905 - No published segregation evidence has been identified for this variant. (I) 1007 - No published functional evidence has been identified for this variant. (I) 1208 - Inheritance information for this variant is not currently available in this individual. (I) Legend: (SP) - Supporting pathogenic, (I) - Information, (SB) - Supporting benign

Literature cited by the submitters: PubMed 12028435; PubMed 14514738; PubMed 19965530; PubMed 24046192.